The following is an entry in ClinVar:

NM_001384474.1(LOXHD1):c.2554A>G (p.Ser852Gly)

Gene: LOXHD1 (lipoxygenase homology PLAT domains 1; minus strand). Cytogenetic location: 18q21.1.
Variant type: single nucleotide variant.
Coding change: c.2554A>G on transcript NM_001384474.1 (MANE Select); coding-DNA position 2554, A replaced by G.
Protein change: p.Ser852Gly; replaces serine 852 with glycine.
Molecular consequence: missense variant.
Genome position (GRCh38, 1-based): chr18:46,563,109, T>C on the plus strand (A>G on the coding strand, the complement: LOXHD1 is on the minus strand). VCF-style: chr18-46563109-T-C. GRCh37 (hg19) VCF-style: chr18-44143072-T-C.
Other names: c.2554A>G, p.Ser852Gly (NM_144612.7); short protein forms S852G.
Identifiers: ClinVar variation 5003288 (VCV005003288.1).

ClinVar aggregate classification (germline): Uncertain significance (1 of 4 stars; one submission).

Conditions:
Autosomal recessive nonsyndromic hearing loss 77. Identifiers: Orphanet 90636, MedGen C2746083, MONDO:0013119, OMIM 613079.

gnomAD v4.1: 28 of 1,546,496 alleles (0.0018%); highest among the groups gnomAD compares: East Asian, 0.064%; no homozygotes.

Submission:

Myriad Genetics, Inc.
Classification: Uncertain significance for Autosomal recessive nonsyndromic hearing loss 77. Last evaluated: 2026-06-19. Review status: criteria provided, single submitter. Criteria: Myriad Autosomal Dominant, Autosomal Recessive and X-Linked Classification Criteria (2023). Collection method: clinical testing. Allele origin: unknown.
Comment: NM_144612.6(LOXHD1):c.2554A>G(S852G) is a missense variant classified as a variant of uncertain significance in the context of nonsyndromic hearing loss, LOXHD1-related. S852G has been observed in a case with relevant disease (PMID: 39640791). Relevant functional assessments of this variant are not available in the literature. S852G has been observed in referenced population frequency databases. In summary, there is insufficient evidence to classify NM_144612.6(LOXHD1):c.2554A>G(S852G) as pathogenic or benign. Please note: this variant was assessed in the context of healthy population screening.

Literature cited by the submitters: PubMed 39640791.